The following is an entry in ClinVar:

NM_015631.6(TCTN3):c.570T>G (p.Phe190Leu)

Gene: TCTN3 (tectonic family member 3; minus strand). Cytogenetic location: 10q24.1.
Variant type: single nucleotide variant.
Coding change: c.570T>G on transcript NM_015631.6 (MANE Select); coding-DNA position 570, T replaced by G.
Protein change: p.Phe190Leu; replaces phenylalanine 190 with leucine.
Molecular consequence: missense variant. On other transcripts: intron variant (1).
Genome position (GRCh38, 1-based): chr10:95,687,649, A>C on the plus strand (T>G on the coding strand, the complement: TCTN3 is on the minus strand). VCF-style: chr10-95687649-A-C. GRCh37 (hg19) VCF-style: chr10-97447406-A-C.
Other names: c.624T>G, p.Phe208Leu (NM_001013840.1); c.570T>G, p.Phe190Leu (NM_001410982.1); c.500-490T>G (NM_001143973.2); short protein forms F208L, F190L.
Identifiers: ClinVar variation 2158555 (VCV002158555.4), dbSNP rs1449792057, ClinGen allele CA377708820.
Genomic context (GRCh38, chr10:95,687,649, plus strand): 5'-CACCCTGTAAAAAGATGGTGGTGATTGAGTTTGGAATGTTGAAGTGAATGATTCGCCTCC[A>C]AACTCTGCAGCCAGGGCCTGGAAGTTGGTTGCATTGACCTTTTGAAGCTTCTGGAAATAG-3'
Protein context (NP_056446.4, residues 180-200): ATNFQALAAE[Phe190Leu]GGESFTSTFQ

ClinVar aggregate classification (germline): Uncertain significance (1 of 4 stars; one submission).

Conditions:
Joubert syndrome 18 (JBTS18). Identifiers: Orphanet 2754, MedGen C3553758, MONDO:0013896, OMIM 614815.
Orofacial-digital syndrome IV (OFD4). Also called: BARAITSER-BURN SYNDROME; OFD SYNDROME WITH TIBIAL DEFECTS; OFD SYNDROME, BARAITSER-BURN TYPE; OFDS IV; ORAL-FACIAL-DIGITAL SYNDROME, TYPE IV; Orofaciodigital syndrome IV. Identifiers: Orphanet 2753, MedGen C0406727, MONDO:0009794, OMIM 258860.

Allele frequency attached by ClinVar (database versions not stated): TOPMed below 0.00001; gnomAD 0.00001.
gnomAD v4.1: 5 of 1,614,100 alleles (0.00031%); highest among the groups gnomAD compares: South Asian, 0.0011%; no homozygotes.

Submission:

Labcorp Genetics (formerly Invitae), Labcorp
Classification: Uncertain significance for Joubert syndrome 18; Orofacial-digital syndrome IV. Last evaluated: 2022-04-16. Review status: criteria provided, single submitter. Criteria: Invitae Variant Classification Sherloc (09022015). Collection method: clinical testing. Allele origin: germline.
Comment: This sequence change replaces phenylalanine, which is neutral and non-polar, with leucine, which is neutral and non-polar, at codon 190 of the TCTN3 protein (p.Phe190Leu). This variant is present in population databases (no rsID available, gnomAD 0.003%). This variant has not been reported in the literature in individuals affected with TCTN3-related conditions. Algorithms developed to predict the effect of missense changes on protein structure and function are either unavailable or do not agree on the potential impact of this missense change (SIFT: "Deleterious"; PolyPhen-2: "Possibly Damaging"; Align-GVGD: "Class C0"). In summary, the available evidence is currently insufficient to determine the role of this variant in disease. Therefore, it has been classified as a Variant of Uncertain Significance.